The following is an entry in ClinVar:

NM_000372.5(TYR):c.1247C>T (p.Ala416Val)

Gene: TYR (tyrosinase; plus strand). Cytogenetic location: 11q14.3.
Variant type: single nucleotide variant.
Coding change: c.1247C>T on transcript NM_000372.5 (MANE Select); coding-DNA position 1247, C replaced by T.
Protein change: p.Ala416Val; replaces alanine 416 with valine.
Molecular consequence: missense variant.
Genome position (GRCh38, 1-based): chr11:89,284,835, C>T. VCF-style: chr11-89284835-C-T. GRCh37 (hg19) VCF-style: chr11-89018003-C-T.
Other names: short protein forms A416V.
Identifiers: ClinVar variation 3771495 (VCV003771495.13).

ClinVar aggregate classification (germline): Likely pathogenic (1 of 4 stars; one submission).

Submission:

CeGaT Center for Human Genetics Tuebingen
Classification: Likely pathogenic. Last evaluated: 2025-02-01. Review status: criteria provided, single submitter. Criteria: CeGaT Center For Human Genetics Tuebingen Variant Classification Criteria Version 2. Collection method: clinical testing. Allele origin: germline. Affected: yes. Observed: 1 variant allele.
Comment: TYR: PM2, PM5, PM3:Supporting, PP4